The following is an entry in ClinVar:

NM_015656.2(KIF26A):c.1483G>A (p.Ala495Thr)

Gene: KIF26A (kinesin family member 26A; plus strand). Cytogenetic location: 14q32.33.
Variant type: single nucleotide variant.
Coding change: c.1483G>A on transcript NM_015656.2 (MANE Select); coding-DNA position 1483, G replaced by A.
Protein change: p.Ala495Thr; replaces alanine 495 with threonine.
Molecular consequence: missense variant.
Genome position (GRCh38, 1-based): chr14:104,173,039, G>A. VCF-style: chr14-104173039-G-A. GRCh37 (hg19) VCF-style: chr14-104639376-G-A.
Other names: short protein forms A495T.
Identifiers: ClinVar variation 4795892 (VCV004795892.1).

ClinVar aggregate classification (germline): Likely benign (1 of 4 stars; one submission).

Conditions:
Cortical dysplasia, complex, with other brain malformations 11 (CDCBM11). Identifiers: MedGen C5774270, MONDO:0859332, OMIM 620156.

gnomAD v4.1: 68 of 1,606,292 alleles (0.0042%); highest among the groups gnomAD compares: South Asian, 0.047%; no homozygotes.

Submission:

Centre for Medical Genetics,  Mumbai
Classification: Likely benign for Cortical dysplasia, complex, with other brain malformations 11. Last evaluated: 2026-02-19. Review status: criteria provided, single submitter. Criteria: ACMG Guidelines, 2015. Collection method: provider interpretation. Allele origin: germline. Inheritance: Autosomal recessive inheritance. Affected: no. Observed: 1 homozygote.
Comment: The variant satisfies PM2 criteria; Extremely low frequency in gnomAD population databases. However, the variant satisfies BS2 criteria.

Literature cited by the submitters: PubMed 36228617.